The following is an entry in ClinVar:

NM_022081.6(HPS4):c.1529C>T (p.Ser510Leu)

Gene: HPS4 (HPS4 biogenesis of lysosomal organelles complex 3 subunit 2; minus strand). Cytogenetic location: 22q12.1.
Variant type: single nucleotide variant.
Coding change: c.1529C>T on transcript NM_022081.6 (MANE Select); coding-DNA position 1529, C replaced by T.
Protein change: p.Ser510Leu; replaces serine 510 with leucine.
Molecular consequence: missense variant. On other transcripts: non-coding transcript variant (8).
Genome position (GRCh38, 1-based): chr22:26,464,101, G>A on the plus strand (C>T on the coding strand, the complement: HPS4 is on the minus strand). VCF-style: chr22-26464101-G-A. GRCh37 (hg19) VCF-style: chr22-26860067-G-A.
Other names: c.1529C>T, p.Ser510Leu (NM_001349896.1, NM_001349898.2, NM_001349899.2 and 5 more transcripts); c.1583C>T, p.Ser528Leu (NM_001349900.2, NM_001349901.1); c.1514C>T, p.Ser505Leu (NM_152841.2); short protein forms S505L, S510L, S528L.
Identifiers: ClinVar variation 1992455 (VCV001992455.4), dbSNP rs2518197535, ClinGen allele CA411026505.

ClinVar aggregate classification (germline): Uncertain significance (1 of 4 stars; one submission).

Allele frequency attached by ClinVar (database versions not stated): gnomAD exomes below 0.00001.
gnomAD v4.1: 1 of 1,614,288 alleles (0.000062%); highest among the groups gnomAD compares: Non-Finnish European, 0.000085%; no homozygotes.

Submission:

Labcorp Genetics (formerly Invitae), Labcorp
Classification: Uncertain significance. Last evaluated: 2024-02-24. Review status: criteria provided, single submitter. Criteria: Invitae Variant Classification Sherloc (09022015). Collection method: clinical testing. Allele origin: germline.
Comment: This sequence change replaces serine, which is neutral and polar, with leucine, which is neutral and non-polar, at codon 510 of the HPS4 protein (p.Ser510Leu). This variant is not present in population databases (gnomAD no frequency). This variant has not been reported in the literature in individuals affected with HPS4-related conditions. ClinVar contains an entry for this variant (Variation ID: 1992455). Algorithms developed to predict the effect of missense changes on protein structure and function output the following: SIFT: "Not Available"; PolyPhen-2: "Benign"; Align-GVGD: "Not Available". The leucine amino acid residue is found in multiple mammalian species, which suggests that this missense change does not adversely affect protein function. In summary, the available evidence is currently insufficient to determine the role of this variant in disease. Therefore, it has been classified as a Variant of Uncertain Significance.